The following is an entry in ClinVar:

NM_020964.3(EPG5):c.5667+1G>A

Gene: EPG5 (ectopic P-granules 5 autophagy tethering factor; minus strand). Cytogenetic location: 18q12.3.
Variant type: single nucleotide variant.
Coding change: c.5667+1G>A on transcript NM_020964.3 (MANE Select); the canonical splice donor site of the intron after coding-DNA position 5667, G replaced by A.
Molecular consequence: splice donor variant.
Genome position (GRCh38, 1-based): chr18:45,880,074, C>T on the plus strand (G>A on the coding strand, the complement: EPG5 is on the minus strand). VCF-style: chr18-45880074-C-T. GRCh37 (hg19) VCF-style: chr18-43460039-C-T.
Other names: c.5667+1G>A (NM_001410858.1, NM_001410859.1).
Identifiers: ClinVar variation 4292551 (VCV004292551.1).

ClinVar aggregate classification (germline): Pathogenic (1 of 4 stars; one submission).

Conditions:
Vici syndrome (VICIS). Identifiers: Orphanet 1493, MedGen C1855772, MONDO:0009452, OMIM 242840.

Submission:

3billion
Classification: Pathogenic for Vici syndrome. Last evaluated: 2024-11-07. Review status: criteria provided, single submitter. Criteria: ACMG Guidelines, 2015. Collection method: clinical testing. Allele origin: germline. Affected: yes.
Comment: The variant is not observed in the gnomAD v4.1.0 dataset. Predicted Consequence/Location: Canonical splice site: predicted to alter splicing and result in a loss or disruption of normal protein function. Multiple pathogenic loss-of-function variants are reported downstream of the variant. In silico tools predict the variant to alter splicing and produce an abnormal transcript [SpliceAI: 1.00 (spliceogenicity >=0.2, non-spliceogenicity <0.1)]. Therefore, this variant is classified as Pathogenic according to the recommendation of ACMG/AMP guideline.